The following is an entry in ClinVar:

ClinVar aggregate classification (germline): Pathogenic/Likely pathogenic. Review status: criteria provided, multiple submitters, no conflicts (2 of 4 stars). 2 submissions from 2 submitters: Pathogenic (1); Likely pathogenic (1). Last evaluated 2023-09-13.

Conditions:
LRAT-related disorder. Also called: LRAT-related condition.

Submissions (2):

Labcorp Genetics (formerly Invitae), Labcorp
Classification: Pathogenic. Last evaluated: 2023-09-13. Review status: criteria provided, single submitter. Criteria: Invitae Variant Classification Sherloc (09022015). Collection method: clinical testing. Allele origin: germline.
Comment: For these reasons, this variant has been classified as Pathogenic. This variant has not been reported in the literature in individuals affected with LRAT-related conditions. This variant is not present in population databases (gnomAD no frequency). This sequence change creates a premature translational stop signal (p.Asp33Glufs*8) in the LRAT gene. It is expected to result in an absent or disrupted protein product. Loss-of-function variants in LRAT are known to be pathogenic (PMID: 22559933, 24265693).

Blueprint Genetics
Classification: Likely pathogenic for LRAT-related disorders. Last evaluated: 2019-09-16. Review status: criteria provided, single submitter. Criteria: ACMG Guidelines, 2015. Collection method: clinical testing. Allele origin: germline. Affected: yes. Observed: 1 variant allele.

Literature cited by the submitters: PubMed 22559933 (cited by Labcorp Genetics (formerly Invitae), Labcorp); PubMed 24265693 (cited by Labcorp Genetics (formerly Invitae), Labcorp).

NM_004744.5(LRAT):c.99_100del (p.Asp33fs)

Gene: LRAT (lecithin retinol acyltransferase; plus strand). Cytogenetic location: 4q32.1.
Variant type: Deletion.
Coding change: c.99_100del on transcript NM_004744.5 (MANE Select); coding-DNA positions 99 to 100, 2 bases deleted (CA; older notation c.99_100delCA).
Protein change: p.Asp33fs; shifts the reading frame from aspartic acid 33.
Molecular consequence: frameshift variant.
Genome position (GRCh38, 1-based): chr4:154,744,425-154,744,426, CA deleted; deleting any 2 consecutive bases within chr4:154,744,424-154,744,426 gives the same sequence; the c. name uses the placement nearest the transcript's 3' end. VCF-style (leftmost placement, unchanged base first): chr4-154744423-GAC-G. GRCh37 (hg19) VCF-style: chr4-155665575-GAC-G.
Other names: c.99_100del, p.Asp33fs (NM_001301645.2); short protein forms D33fs.
Identifiers: ClinVar variation 2759020 (VCV002759020.4), dbSNP rs2529972069, ClinGen allele CA2697546970.